The following is an entry in ClinVar:

ClinVar aggregate classification (germline): Uncertain significance. Review status: criteria provided, multiple submitters, no conflicts (2 of 4 stars). 4 submissions from 4 submitters: Uncertain significance (4). Last evaluated 2025-11-25.

Conditions:
Cardiovascular phenotype. Identifiers: MedGen CN230736.
DK1-congenital disorder of glycosylation. Also called: DOLK-congenital disorder of glycosylation; Carbohydrate deficient glycoprotein syndrome type 1m; CONGENITAL DISORDER OF GLYCOSYLATION, TYPE Im; CDG Im; DK1 DEFICIENCY; DOLICHOL KINASE DEFICIENCY. Identifiers: Orphanet 91131, MedGen C1835849, MONDO:0012556, OMIM 610768.

Allele frequency attached by ClinVar (database versions not stated): gnomAD 0.00001; gnomAD exomes 0.00001; TOPMed 0.00001.
gnomAD v4.1: 9 of 1,613,968 alleles (0.00056%); highest among the groups gnomAD compares: Non-Finnish European, 0.00068%; no homozygotes.

Submissions (4):

Ambry Genetics
Classification: Uncertain significance for Cardiovascular phenotype. Last evaluated: 2025-11-25. Review status: criteria provided, single submitter. Criteria: Ambry Variant Classification Scheme 2023. Collection method: clinical testing. Allele origin: germline.
Comment: The p.M237T variant (also known as c.710T>C), located in coding exon 1 of the DOLK gene, results from a T to C substitution at nucleotide position 710. The methionine at codon 237 is replaced by threonine, an amino acid with similar properties. This amino acid position is conserved. In addition, this alteration is predicted to be tolerated by in silico analysis. Since supporting evidence is limited at this time, the clinical significance of this alteration remains unclear.

Labcorp Genetics (formerly Invitae), Labcorp
Classification: Uncertain significance for DK1-congenital disorder of glycosylation. Last evaluated: 2024-10-18. Review status: criteria provided, single submitter. Criteria: Invitae Variant Classification Sherloc (09022015). Collection method: clinical testing. Allele origin: germline.
Comment: This sequence change replaces methionine, which is neutral and non-polar, with threonine, which is neutral and polar, at codon 237 of the DOLK protein (p.Met237Thr). This variant is not present in population databases (gnomAD no frequency). This variant has not been reported in the literature in individuals affected with DOLK-related conditions. ClinVar contains an entry for this variant (Variation ID: 451666). Invitae Evidence Modeling of protein sequence and biophysical properties (such as structural, functional, and spatial information, amino acid conservation, physicochemical variation, residue mobility, and thermodynamic stability) indicates that this missense variant is not expected to disrupt DOLK protein function with a negative predictive value of 80%. In summary, the available evidence is currently insufficient to determine the role of this variant in disease. Therefore, it has been classified as a Variant of Uncertain Significance.

Fulgent Genetics
Classification: Uncertain significance for DK1-congenital disorder of glycosylation. Last evaluated: 2021-08-13. Review status: criteria provided, single submitter. Criteria: ACMG Guidelines, 2015. Collection method: clinical testing. Allele origin: unknown.

GeneDx
Classification: Uncertain significance. Last evaluated: 2017-08-24. Review status: criteria provided, single submitter. Criteria: GeneDx Variant Classification (06012015). Collection method: clinical testing. Allele origin: germline. Affected: yes.
Comment: A variant of uncertain significance has been identified in the DOLK gene. The M237T variant has not been published as pathogenic or been reported as benign to our knowledge. This variant is also not observed in large population cohorts (Lek et al., 2016; 1000 Genomes Consortium et al., 2015; Exome Variant Server). The M237T variant is a non-conservative amino acid substitution, which is likely to impact secondary protein structure as these residues differ in polarity, charge, size and/or other properties. Additionally, this substitution occurs at a position where only amino acids with similar properties to methionine (M) are tolerated across species. Nevertheless, in silico analysis is inconsistent in its predictions as to whether or not the variant is damaging to the protein structure/function.

NM_014908.4(DOLK):c.710T>C (p.Met237Thr)

Gene: DOLK (dolichol kinase; minus strand). Cytogenetic location: 9q34.11.
Variant type: single nucleotide variant.
Coding change: c.710T>C on transcript NM_014908.4 (MANE Select); coding-DNA position 710, T replaced by C.
Protein change: p.Met237Thr; replaces methionine 237 with threonine.
Molecular consequence: missense variant.
Genome position (GRCh38, 1-based): chr9:128,946,594, A>G on the plus strand (T>C on the coding strand, the complement: DOLK is on the minus strand). VCF-style: chr9-128946594-A-G. GRCh37 (hg19) VCF-style: chr9-131708873-A-G.
Other names: short protein forms M237T.
Identifiers: ClinVar variation 451666 (VCV000451666.17), dbSNP rs201363976, ClinGen allele CA200444956.